The following is an entry in ClinVar:

NM_000329.3(RPE65):c.499G>T (p.Asp167Tyr)

Gene: RPE65 (retinoid isomerohydrolase RPE65; minus strand). Cytogenetic location: 1p31.3.
Variant type: single nucleotide variant.
Coding change: c.499G>T on transcript NM_000329.3 (MANE Select); coding-DNA position 499, G replaced by T.
Protein change: p.Asp167Tyr; replaces aspartic acid 167 with tyrosine.
Molecular consequence: missense variant.
Genome position (GRCh38, 1-based): chr1:68,440,997, C>A on the plus strand (G>T on the coding strand, the complement: RPE65 is on the minus strand). VCF-style: chr1-68440997-C-A. GRCh37 (hg19) VCF-style: chr1-68906680-C-A.
Other names: NM_000329.3(RPE65):c.499G>T; short protein forms D167Y.
Identifiers: ClinVar variation 98873 (VCV000098873.29), dbSNP rs61752883, ClinGen allele CA226557.

ClinVar aggregate classification (germline): Pathogenic. Review status: reviewed by expert panel (3 of 4 stars). 12 submissions from 12 submitters: Pathogenic (1). 11 of the submissions do not count toward it. Last evaluated 2024-07-23.

Conditions:
Retinitis pigmentosa 87 with choroidal involvement. Identifiers: MedGen C5231465, MONDO:0032873, OMIM 618697.
Leber congenital amaurosis 2 (LCA2). Also called: Autosomal Recessive RPE65-Related Retinal Degeneration; AMAUROSIS CONGENITA OF LEBER II. Identifiers: Orphanet 65, MedGen C1859844, MONDO:0008765, OMIM 204100. Disease mechanism: loss of function.
Retinitis pigmentosa 20 (RP20). Identifiers: Orphanet 791, MedGen C3151086, MONDO:0013425, OMIM 613794.
RPE65-related recessive retinopathy. Also called: Recessive RPE65 retinopathy. Identifiers: MedGen CN305526, MONDO:0100368.
RPE65-related disorder. Also called: RPE65-related disorders; RPE65-related condition. Identifiers: MedGen CN239301.
Leber congenital amaurosis (LCA). Also called: Leber's amaurosis. Identifiers: Orphanet 65, MedGen C0339527, MeSH D057130, MONDO:0018998.

Allele frequency attached by ClinVar (database versions not stated): ExAC 0.00001; TOPMed 0.00002; gnomAD exomes 0.00001.
gnomAD v4.1: 71 of 1,613,626 alleles (0.0044%); highest among the groups gnomAD compares: Non-Finnish European, 0.0058%; no homozygotes.

Submissions (12):

ClinGen Leber Congenital Amaurosis/early Onset Retinal Dystrophy Variant Curation Expert Panel, ClinGen
Classification: Pathogenic for RPE65-related recessive retinopathy. Last evaluated: 2024-07-23. Review status: reviewed by expert panel. Criteria: ClinGen LCAeoRD ACMG Specifications RPE65 V1.0.0. Collection method: curation. Allele origin: germline. Inheritance: Autosomal recessive inheritance.
Comment: NM_000329.3(RPE65):c.499G>T (p.Asp167Tyr) is a missense variant predicted to replace aspartic acid with tyrosine at position 167. This variant is present in gnomAD v.2.1.1 at a GrpMax allele frequency of 0.000007020 with 3 alleles / 113490 total alleles in the European (non-Finnish) population, which is lower than the ClinGen LCA / eoRD VCEP PM2_Supporting threshold of <0.0002 (PM2_Supporting). This variant has been reported in at least 1 proband with early-onset severe retinal dystrophy who was homozygous for the variant (0.5 pts, PMID: 36547097). This variant has also been reported in at least 5 probands with early-onset severe retinal dystrophy who were compound heterozygous with the NM_000329.3(RPE65):c.16G>T (p.Glu6Ter), NM_000329.3(RPE65):c.292_311del (p.Ile98HisfsTer26), NM_000329.3(RPE65):c.938A>G (p.His313Arg), or NM_000329.3(RPE65):c.778_785del (p.Asn260GlnfsTer18) variants suspected in trans (2 pts, PMID: 11095629, PMID: 35129589, PMID: 25257057), as well as the NM_000329.3(RPE65):c.11+5G>A variant confirmed in trans (1 pt, PMID: 35904185, PMID: 28224992), all of which were previously classified pathogenic by the ClinGen LCA / eoRD VCEP (3.5 total points, PM3_Strong). At least one proband harboring this variant exhibits a phenotype including diagnosis of Leber congenital amaurosis (0.5 pts, PMID: 25257057), undetectable ERG response from rods (0.5 pts) and reduced ERG responses from cones (1 pt, PMID: 18441371) and significant, documented improvement of retinal sensitivity by dark-adapted perimetry and microperimetry after treatment with RPE65 gene therapy (8 pts, PMID: 25938638), which together are highly specific for RPE65-related recessive retinopathy (total 10 pts, PP4_Moderate). The variant has been reported to segregate with childhood-onset severe retinal dystrophy through a proband plus 1 similarly affected relative, with the variant present in the compound heterozygous state (PMID: 28224992, PP1). The computational predictor REVEL gives a score of 0.93, which is above the ClinGen LCA / eoRD VCEP threshold of ≥0.773 and predicts a damaging effect on RPE65 function (PP3_Moderate). In summary, this variant meets the criteria to be classified as pathogenic for RPE65-related recessive retinopathy based on the ACMG/AMP criteria applied, as specified by the ClinGen LCA / eoRD VCEP: PM2_Supporting, PM3_Strong, PP1, PP3_Moderate, and PP4_Moderate. (VCEP specifications version 1.0.0; date of approval 09/21/2023).

GeneDx
Classification: Pathogenic. Last evaluated: 2026-09-24. Review status: criteria provided, single submitter. Criteria: GeneDx Variant Classification Process June 2021. Collection method: clinical testing. Allele origin: germline. Not counted in ClinVar's aggregate classification.
Comment: Not observed at significant frequency in large population cohorts (gnomAD); In silico analysis supports that this missense variant has a deleterious effect on protein structure/function; This variant is associated with the following publications: (PMID: 15288992, 18441371, 18774912, 17964524, 18055820, 25257057, 17724218, 11095629, 32032261, 31964843, 40088892, 36142423, 36661516, 36460718, 38219857, 39788486, 38465142, 35904185, 36547097, 41679721)

Natera, Inc.
Classification: Pathogenic for Leber congenital amaurosis. Last evaluated: 2026-01-15. Review status: criteria provided, single submitter. Criteria: Natera Variant Classification Schema (03/2026). Collection method: clinical testing. Allele origin: germline. Not counted in ClinVar's aggregate classification.
Comment: The c.499G>T variant in RPE65 is a missense variant predicted to cause substitution of aspartic acid to tyrosine at amino acid 167. This variant is rare in the general population with a frequency below the threshold expected for the associated phenotype(s). This variant has been observed in one or more individuals affected with the associated recessive disease, as either homozygous or compound heterozygous with a second variant (PMID: 25257057, 28224992, 11095629, 32856788, 35129589, 38465142, 39788486, 38219857). Additionally, this variant has been observed to segregate in affected family members (PMID: 39788486). Computational prediction algorithms indicate this variant is likely to affect gene or protein function. Given the available evidence, this variant is classified as Pathogenic.

Labcorp Genetics (formerly Invitae), Labcorp
Classification: Pathogenic for Leber congenital amaurosis 2; Retinitis pigmentosa 20. Last evaluated: 2026-01-10. Review status: criteria provided, single submitter. Criteria: Invitae Variant Classification Sherloc (09022015). Collection method: clinical testing. Allele origin: germline. Not counted in ClinVar's aggregate classification.
Comment: This sequence change replaces aspartic acid, which is acidic and polar, with tyrosine, which is neutral and polar, at codon 167 of the RPE65 protein (p.Asp167Tyr). This variant is present in population databases (rs61752883, gnomAD 0.003%). This missense change has been observed in individual(s) with retinal dystrophy (PMID: 11095629, 17724218, 18441371, 25257057, 28224992). In at least one individual the data is consistent with being in trans (on the opposite chromosome) from a pathogenic variant. ClinVar contains an entry for this variant (Variation ID: 98873). Invitae Evidence Modeling of protein sequence and biophysical properties (such as structural, functional, and spatial information, amino acid conservation, physicochemical variation, residue mobility, and thermodynamic stability) has been performed for this missense variant. However, the output from this modeling did not meet the statistical confidence thresholds required to predict the impact of this variant on RPE65 protein function. For these reasons, this variant has been classified as Pathogenic.

Blueprint Genetics
Classification: Pathogenic for RPE65-related disorders. Last evaluated: 2024-11-20. Review status: criteria provided, single submitter. Criteria: ACMG Guidelines, 2015. Collection method: clinical testing. Allele origin: germline. Affected: yes. Observed: 5 variant alleles. Not counted in ClinVar's aggregate classification.

Fulgent Genetics
Classification: Likely pathogenic for Leber congenital amaurosis 2; Retinitis pigmentosa 20; Retinitis pigmentosa 87 with choroidal involvement. Last evaluated: 2024-02-29. Review status: criteria provided, single submitter. Criteria: ACMG Guidelines, 2015. Collection method: clinical testing. Allele origin: germline. Not counted in ClinVar's aggregate classification.

Baylor Genetics
Classification: Pathogenic for Leber congenital amaurosis 2. Last evaluated: 2024-02-07. Review status: criteria provided, single submitter. Criteria: ACMG Guidelines, 2015. Collection method: clinical testing. Allele origin: unknown. Not counted in ClinVar's aggregate classification.

Women's Health and Genetics/Laboratory Corporation of America, LabCorp
Classification: Pathogenic for Leber congenital amaurosis. Last evaluated: 2022-05-26. Review status: criteria provided, single submitter. Criteria: LabCorp Variant Classification Summary - May 2015. Collection method: clinical testing. Allele origin: germline. Not counted in ClinVar's aggregate classification.
Comment: Variant summary: RPE65 c.499G>T (p.Asp167Tyr) results in a non-conservative amino acid change in the encoded protein sequence. Five of five in-silico tools predict a damaging effect of the variant on protein function. The variant allele was found at a frequency of 1.2e-05 in 250964 control chromosomes. c.499G>T has been reported in the literature in multiple individuals affected with Leber Congenital Amaurosis, Inherited Retinal Degeneration, or other Retinitis pigmentosa. These data indicate that the variant is very likely to be associated with disease. Five clinical diagnostic laboratories have submitted clinical-significance assessments for this variant to ClinVar after 2014 without evidence for independent evaluation (Pathogenic n=1, likely pathogenic n=3, VUS n=1). Based on the evidence outlined above, the variant was classified as pathogenic.

Illumina Laboratory Services, Illumina
Classification: Likely pathogenic for RPE65-Related Disorders. Last evaluated: 2018-12-11. Review status: criteria provided, single submitter. Criteria: ICSL Variant Classification Criteria 09 May 2019. Collection method: clinical testing. Allele origin: germline. Not counted in ClinVar's aggregate classification.
Comment: The RPE65 c.499G>T (p.Asp167Tyr) variant is a missense variant that has been reported in a compound heterozygous state in three individuals with either Leber congenital amaurosis or retinal dystrophy (Thompson et al. 2000; Simonelli et al. 2007; Bainbridge et al. 2008; Ripamonti et al. 2014). The p.Asp167Tyr variant was also identified in a heterozygous state in one additional case in whom a second variant was not identified (Henderson et al. 2007). The p.Asp167Tyr variant was absent from 50 control individuals but was reported at a frequency of 0.000026 in the European (non-Finnish) population of the Genome Aggregation Database. Functional studies of this variant have not been conducted, but it affects a conserved residue and in silico tools predict it to have a damaging effect. Based on the collective evidence, the p.Asp167Tyr variant is classified as likely pathogenic for RPE65-related disorders. This variant was observed by ICSL as part of a predisposition screen in an ostensibly healthy population.

Joint Genome Diagnostic Labs from Nijmegen and Maastricht, Radboudumc and MUMC+
Classification: Uncertain significance for Retinitis pigmentosa 20. Last evaluated: 2016-09-01. Review status: no assertion criteria provided. Collection method: clinical testing. Allele origin: inherited. Affected: yes. Observed: 1 variant allele. Not counted in ClinVar's aggregate classification.

Laboratory of Genetics in Ophthalmology, Institut Imagine
Classification: Likely pathogenic for Leber congenital amaurosis 2. Review status: no assertion criteria provided. Collection method: research. Allele origin: inherited. Affected: yes. Observed: 1 variant allele. Not counted in ClinVar's aggregate classification.

Retina International
No classification provided. Review status: no classification provided. Collection method: not provided. Allele origin: not provided. Not counted in ClinVar's aggregate classification.

Literature cited by the submitters: PubMed 25257057 (cited by 3 submitters); PubMed 28224992 (cited by 3 submitters); PubMed 11095629 (cited by 5 submitters); PubMed 32856788 (cited by Natera, Inc.); PubMed 35129589 (cited by Natera, Inc. and Women's Health and Genetics/Laboratory Corporation of America, LabCorp); PubMed 38465142 (cited by Natera, Inc.); PubMed 39788486 (cited by Natera, Inc.); PubMed 38219857 (cited by Natera, Inc.); PubMed 17724218 (cited by Labcorp Genetics (formerly Invitae), Labcorp and Illumina Laboratory Services, Illumina); PubMed 18441371 (cited by Labcorp Genetics (formerly Invitae), Labcorp and Illumina Laboratory Services, Illumina); PubMed 26605849 (cited by Women's Health and Genetics/Laboratory Corporation of America, LabCorp); PubMed 18055820 (cited by Illumina Laboratory Services, Illumina).